The following is an entry in ClinVar:

ClinVar aggregate classification (germline): Uncertain significance (1 of 4 stars; one submission).

Conditions:
Autosomal dominant spastic paraplegia type 9. Identifiers: MedGen C1832669, MONDO:0015091.
de Barsy syndrome. Also called: Cutis laxa-corneal clouding-oligophrenia syndrome. Identifiers: Orphanet 2962, MedGen C0268354, MONDO:0017569.
Cutis laxa, autosomal dominant 3 (ADCL3). Identifiers: Orphanet 90348, MedGen C4225268, MONDO:0014706, OMIM 616603.

Submission:

Labcorp Genetics (formerly Invitae), Labcorp
Classification: Uncertain significance for Autosomal dominant spastic paraplegia type 9; de Barsy syndrome; Cutis laxa, autosomal dominant 3. Last evaluated: 2022-06-14. Review status: criteria provided, single submitter. Criteria: Invitae Variant Classification Sherloc (09022015). Collection method: clinical testing. Allele origin: germline.
Comment: Algorithms developed to predict the effect of missense changes on protein structure and function (SIFT, PolyPhen-2, Align-GVGD) all suggest that this variant is likely to be tolerated. In summary, the available evidence is currently insufficient to determine the role of this variant in disease. Therefore, it has been classified as a Variant of Uncertain Significance. Algorithms developed to predict the effect of sequence changes on RNA splicing suggest that this variant may disrupt the consensus splice site. This missense change has been observed in individual(s) with clinical features of autosomal recessive hereditary spastic paraplegia (Invitae). This variant is not present in population databases (gnomAD no frequency). This sequence change replaces valine, which is neutral and non-polar, with leucine, which is neutral and non-polar, at codon 240 of the ALDH18A1 protein (p.Val240Leu).

NM_002860.4(ALDH18A1):c.718G>C (p.Val240Leu)

Gene: ALDH18A1 (aldehyde dehydrogenase 18 family member A1; minus strand). Cytogenetic location: 10q24.1.
Variant type: single nucleotide variant.
Coding change: c.718G>C on transcript NM_002860.4 (MANE Select); coding-DNA position 718, G replaced by C.
Protein change: p.Val240Leu; replaces valine 240 with leucine.
Molecular consequence: missense variant.
Genome position (GRCh38, 1-based): chr10:95,633,049, C>G on the plus strand (G>C on the coding strand, the complement: ALDH18A1 is on the minus strand). VCF-style: chr10-95633049-C-G. GRCh37 (hg19) VCF-style: chr10-97392806-C-G.
Other names: c.712G>C, p.Val238Leu (NM_001017423.2, NM_001323415.2); c.385G>C, p.Val129Leu (NM_001323412.2, NM_001323416.2); c.718G>C, p.Val240Leu (NM_001323413.2, NM_001323414.2); c.613G>C, p.Val205Leu (NM_001323417.2); c.379G>C, p.Val127Leu (NM_001323418.2); c.82G>C, p.Val28Leu (NM_001323419.2); short protein forms V129L, V205L, V28L, V127L, V240L, V238L.
Identifiers: ClinVar variation 1438548 (VCV001438548.6), dbSNP rs2139608040, ClinGen allele CA377705122.